The following is an entry in ClinVar:

ClinVar aggregate classification (germline): Likely benign. Review status: criteria provided, single submitter (1 of 4 stars). 2 submissions from 2 submitters: Likely benign (1). 1 of the submissions does not count toward it. Last evaluated 2025-10-23.

Conditions:
SEMA3E-related disorder. Also called: SEMA3E-related condition.
CHARGE syndrome (CHARGE). Also called: Hittner Hirsch Kreh syndrome; CHARGE ASSOCIATION--COLOBOMA, HEART ANOMALY, CHOANAL ATRESIA, RETARDATION, GENITAL AND EAR ANOMALIES; Coloboma, heart anomaly, choanal atresia, retardation, genital and ear anomalies; CHARGE association; Hall-Hittner syndrome. Identifiers: Orphanet 138, MedGen C0265354, MONDO:0008965.

Allele frequency attached by ClinVar (database versions not stated): ExAC 0.00002; gnomAD 0.00003; TOPMed 0.00005; ESP Exome Variant Server 0.00023.
gnomAD v4.1: 51 of 1,612,788 alleles (0.0032%); highest among the groups gnomAD compares: African/African-American, 0.004%; no homozygotes.

Submissions (2):

Labcorp Genetics (formerly Invitae), Labcorp
Classification: Likely benign for CHARGE syndrome. Last evaluated: 2025-10-23. Review status: criteria provided, single submitter. Criteria: Invitae Variant Classification Sherloc (09022015). Collection method: clinical testing. Allele origin: germline.

PreventionGenetics, part of Exact Sciences
Classification: Likely benign for SEMA3E-related condition. Last evaluated: 2022-03-10. Review status: no assertion criteria provided. Collection method: clinical testing. Allele origin: germline. Not counted in ClinVar's aggregate classification.
Comment: This variant is classified as likely benign based on ACMG/AMP sequence variant interpretation guidelines (Richards et al. 2015 PMID: 25741868, with internal and published modifications).

NM_012431.3(SEMA3E):c.1062C>T (p.Asn354=)

Gene: SEMA3E (semaphorin 3E; minus strand). Cytogenetic location: 7q21.11.
Variant type: single nucleotide variant.
Coding change: c.1062C>T on transcript NM_012431.3 (MANE Select); coding-DNA position 1062, C replaced by T.
Protein change: p.Asn354=; no amino-acid change (asparagine 354 retained).
Molecular consequence: synonymous variant.
Genome position (GRCh38, 1-based): chr7:83,402,713, G>A on the plus strand (C>T on the coding strand, the complement: SEMA3E is on the minus strand). VCF-style: chr7-83402713-G-A. GRCh37 (hg19) VCF-style: chr7-83032029-G-A.
Other names: c.1062C>T (NM_012431.2); c.882C>T, p.Asn294= (NM_001178129.2).
Identifiers: ClinVar variation 2189585 (VCV002189585.6), dbSNP rs201719889, ClinGen allele CA4322118.